The following is an entry in ClinVar:

NM_004046.6(ATP5F1A):c.1321C>T (p.Arg441Cys)

Gene: ATP5F1A (ATP synthase F1 subunit alpha; minus strand). Cytogenetic location: 18q21.1.
Variant type: single nucleotide variant.
Coding change: c.1321C>T on transcript NM_004046.6 (MANE Select); coding-DNA position 1321, C replaced by T.
Protein change: p.Arg441Cys; replaces arginine 441 with cysteine.
Molecular consequence: missense variant.
Genome position (GRCh38, 1-based): chr18:46,086,221, G>A on the plus strand (C>T on the coding strand, the complement: ATP5F1A is on the minus strand). VCF-style: chr18-46086221-G-A. GRCh37 (hg19) VCF-style: chr18-43666187-G-A.
Other names: c.1171C>T, p.Arg391Cys (NM_001001935.3, NM_001257335.2); c.1321C>T, p.Arg441Cys (NM_001001937.2); c.1255C>T, p.Arg419Cys (NM_001257334.2); short protein forms R391C, R419C, R441C.
Identifiers: ClinVar variation 4591309 (VCV004591309.1).

ClinVar aggregate classification (germline): Uncertain significance (1 of 4 stars; one submission).

Conditions:
Inborn genetic diseases. Identifiers: MedGen C0950123, MeSH D030342.

gnomAD v4.1: 5 of 1,613,280 alleles (0.00031%); highest among the groups gnomAD compares: East Asian, 0.0022%; no homozygotes.

Submission:

Ambry Genetics
Classification: Uncertain significance for Inborn genetic diseases. Last evaluated: 2025-10-22. Review status: criteria provided, single submitter. Criteria: Ambry Variant Classification Scheme 2023. Collection method: clinical testing. Allele origin: germline.
Comment: The c.1321C>T (p.R441C) alteration is located in exon 11 (coding exon 10) of the ATP5A1 gene. This alteration results from a C to T substitution at nucleotide position 1321, causing the arginine (R) at amino acid position 441 to be replaced by a cysteine (C). Based on data from gnomAD, the T allele has an overall frequency of <0.001% (0/251404) total alleles studied. The highest observed frequency was <0.001% (/) of alleles. Based on insufficient or conflicting evidence, the clinical significance of this alteration remains unclear.